The following is an entry in ClinVar:

NM_006947.4(SRP72):c.1521A>G (p.Pro507=)

Gene: SRP72 (signal recognition particle 72; plus strand). Cytogenetic location: 4q12.
Variant type: single nucleotide variant.
Coding change: c.1521A>G on transcript NM_006947.4 (MANE Select); coding-DNA position 1521, A replaced by G.
Protein change: p.Pro507=; no amino-acid change (proline 507 retained).
Molecular consequence: synonymous variant. On other transcripts: non-coding transcript variant (1).
Genome position (GRCh38, 1-based): chr4:56,491,449, A>G. VCF-style: chr4-56491449-A-G. GRCh37 (hg19) VCF-style: chr4-57357615-A-G.
Other names: c.1338A>G, p.Pro446= (NM_001267722.2); c.1521A>G (NM_006947.3).
Identifiers: ClinVar variation 1621964 (VCV001621964.12), dbSNP rs936610987, ClinGen allele CA97608418.

ClinVar aggregate classification (germline): Likely benign. Review status: criteria provided, multiple submitters, no conflicts (2 of 4 stars). 4 submissions from 4 submitters: Likely benign (3). 1 of the submissions does not count toward it. Last evaluated 2025-06-17.

Conditions:
SRP72-related disorder. Also called: SRP72-related condition.

Allele frequency attached by ClinVar (database versions not stated): gnomAD 0.00001; gnomAD exomes 0.00001 and 0.00003; TOPMed 0.00003.
gnomAD v4.1: 14 of 1,613,746 alleles (0.00087%); highest among the groups gnomAD compares: Admixed American, 0.015%; no homozygotes.

Submissions (4):

Labcorp Genetics (formerly Invitae), Labcorp
Classification: Likely benign. Last evaluated: 2025-06-17. Review status: criteria provided, single submitter. Criteria: Invitae Variant Classification Sherloc (09022015). Collection method: clinical testing. Allele origin: germline.

Ambry Genetics
Classification: Likely benign. Last evaluated: 2024-12-14. Review status: criteria provided, single submitter. Criteria: Ambry Variant Classification Scheme 2023. Collection method: clinical testing. Allele origin: germline.

Blueprint Genetics
Classification: Likely benign. Last evaluated: 2023-10-17. Review status: criteria provided, single submitter. Criteria: ACMG Guidelines, 2015. Collection method: clinical testing. Allele origin: germline.

PreventionGenetics, part of Exact Sciences
Classification: Likely benign for SRP72-related condition. Last evaluated: 2019-02-28. Review status: no assertion criteria provided. Collection method: clinical testing. Allele origin: germline. Not counted in ClinVar's aggregate classification.
Comment: This variant is classified as likely benign based on ACMG/AMP sequence variant interpretation guidelines (Richards et al. 2015 PMID: 25741868, with internal and published modifications).